The following is an entry in ClinVar:

NM_005732.4(RAD50):c.2665G>A (p.Glu889Lys)

Gene: RAD50 (RAD50 double strand break repair protein; plus strand). Cytogenetic location: 5q31.1.
Variant type: single nucleotide variant.
Coding change: c.2665G>A on transcript NM_005732.4 (MANE Select); coding-DNA position 2665, G replaced by A.
Protein change: p.Glu889Lys; replaces glutamic acid 889 with lysine.
Molecular consequence: missense variant.
Genome position (GRCh38, 1-based): chr5:132,604,946, G>A. VCF-style: chr5-132604946-G-A. GRCh37 (hg19) VCF-style: chr5-131940638-G-A.
Other names: short protein forms E889K.
Identifiers: ClinVar variation 5027749 (VCV005027749.1).

ClinVar aggregate classification (germline): Uncertain significance (1 of 4 stars; one submission).

Conditions:
Hereditary cancer-predisposing syndrome. Also called: Neoplastic Syndromes, Hereditary; Tumor predisposition; Hereditary neoplastic syndrome; Hereditary Cancer Syndrome. Identifiers: Orphanet 140162, MedGen C0027672, MeSH D009386, MONDO:0015356.

gnomAD v4.1: 2 of 1,613,984 alleles (0.00012%); highest among the groups gnomAD compares: African/African-American, 0.0027%; no homozygotes.

Submission:

Ambry Genetics
Classification: Uncertain significance for Hereditary cancer-predisposing syndrome. Last evaluated: 2026-09-13. Review status: criteria provided, single submitter. Criteria: Ambry Variant Classification Scheme 2023. Collection method: clinical testing. Allele origin: germline.
Comment: The p.E889K variant (also known as c.2665G>A), located in coding exon 16 of the RAD50 gene, results from a G to A substitution at nucleotide position 2665. The glutamic acid at codon 889 is replaced by lysine, an amino acid with similar properties. This amino acid position is conserved. In addition, this alteration is predicted to be tolerated by in silico analysis. Based on the available evidence, the clinical significance of this variant remains unclear.